The following is an entry in ClinVar:

NM_000322.5(PRPH2):c.826G>T (p.Glu276Ter)

Gene: PRPH2 (peripherin 2; minus strand). Cytogenetic location: 6p21.1.
Variant type: single nucleotide variant.
Coding change: c.826G>T on transcript NM_000322.5 (MANE Select); coding-DNA position 826, G replaced by T.
Protein change: p.Glu276Ter; replaces glutamic acid 276 with a stop codon.
Molecular consequence: nonsense.
Genome position (GRCh38, 1-based): chr6:42,704,367, C>A on the plus strand (G>T on the coding strand, the complement: PRPH2 is on the minus strand). VCF-style: chr6-42704367-C-A. GRCh37 (hg19) VCF-style: chr6-42672105-C-A.
Other names: short protein forms E276*.
Identifiers: ClinVar variation 1175231 (VCV001175231.6), dbSNP rs751900290, ClinGen allele CA364134549.

ClinVar aggregate classification (germline): Pathogenic. Review status: criteria provided, single submitter (1 of 4 stars). 2 submissions from 2 submitters: Pathogenic (1). 1 of the submissions does not count toward it. Last evaluated 2022-03-21.

Conditions:
PRPH2-related disorder. Also called: PRPH2-related disorders; PRPH2-related condition. Identifiers: MedGen CN239395.

Submissions (2):

Labcorp Genetics (formerly Invitae), Labcorp
Classification: Pathogenic for PRPH2-related disorder. Last evaluated: 2022-03-21. Review status: criteria provided, single submitter. Criteria: Invitae Variant Classification Sherloc (09022015). Collection method: clinical testing. Allele origin: germline.
Comment: This sequence change creates a premature translational stop signal (p.Glu276*) in the PRPH2 gene. While this is not anticipated to result in nonsense mediated decay, it is expected to disrupt the last 71 amino acid(s) of the PRPH2 protein. For these reasons, this variant has been classified as Pathogenic. This variant disrupts a region of the PRPH2 protein in which other variant(s) (p.Leu307Argfs*17) have been determined to be pathogenic (PMID: 8019570, 17148040, 24265693). This suggests that this is a clinically significant region of the protein, and that variants that disrupt it are likely to be disease-causing. ClinVar contains an entry for this variant (Variation ID: 1175231). This premature translational stop signal has been observed in individual(s) with Stargardt disease (PMID: 22863181). This variant is not present in population databases (gnomAD no frequency).

Leiden Open Variation Database
Classification: Likely pathogenic. Last evaluated: 2021-04-06. Review status: no assertion criteria provided. Collection method: curation. Allele origin: germline. Affected: yes. Not counted in ClinVar's aggregate classification.
Comment: Curator: Global Variome, with Curator vacancy. Submitter to LOVD: Manon Peeters.

Literature cited by the submitters: PubMed 8019570 (cited by Labcorp Genetics (formerly Invitae), Labcorp); PubMed 17148040 (cited by Labcorp Genetics (formerly Invitae), Labcorp); PubMed 24265693 (cited by Labcorp Genetics (formerly Invitae), Labcorp); PubMed 22863181 (cited by Labcorp Genetics (formerly Invitae), Labcorp and Leiden Open Variation Database).